The following is an entry in ClinVar:

NM_001010867.4(IBA57):c.454G>T (p.Glu152Ter)

Gene: IBA57 (iron-sulfur cluster assembly factor IBA57; plus strand). Cytogenetic location: 1q42.13.
Variant type: single nucleotide variant.
Coding change: c.454G>T on transcript NM_001010867.4 (MANE Select); coding-DNA position 454, G replaced by T.
Protein change: p.Glu152Ter; replaces glutamic acid 152 with a stop codon.
Molecular consequence: nonsense. On other transcripts: 5 prime UTR variant (1).
Genome position (GRCh38, 1-based): chr1:228,174,804, G>T. VCF-style: chr1-228174804-G-T. GRCh37 (hg19) VCF-style: chr1-228362505-G-T.
Other names: c.-126G>T (NM_001310327.2); short protein forms E152*.
Identifiers: ClinVar variation 2062660 (VCV002062660.1), dbSNP rs2124976652, ClinGen allele CA345112487.

ClinVar aggregate classification (germline): Pathogenic (1 of 4 stars; one submission).

Conditions:
Multiple mitochondrial dysfunctions syndrome 3 (MMDS3). Identifiers: Orphanet 363424, MedGen C3809165, MONDO:0014132, OMIM 615330.
Hereditary spastic paraplegia 74. Also called: Spastic paraplegia 74, autosomal recessive. Identifiers: Orphanet 468661, MedGen C5568837, MONDO:0014644, OMIM 616451.

Submission:

Labcorp Genetics (formerly Invitae), Labcorp
Classification: Pathogenic for Multiple mitochondrial dysfunctions syndrome 3; Hereditary spastic paraplegia 74. Last evaluated: 2022-06-29. Review status: criteria provided, single submitter. Criteria: Invitae Variant Classification Sherloc (09022015). Collection method: clinical testing. Allele origin: germline.
Comment: This sequence change creates a premature translational stop signal (p.Glu152*) in the IBA57 gene. It is expected to result in an absent or disrupted protein product. Loss-of-function variants in IBA57 are known to be pathogenic (PMID: 23462291, 25971455, 27785568, 28671726). This variant is not present in population databases (gnomAD no frequency). This variant has not been reported in the literature in individuals affected with IBA57-related conditions. For these reasons, this variant has been classified as Pathogenic.

Literature cited by the submitters: PubMed 23462291; PubMed 25971455; PubMed 27785568; PubMed 28671726.